The following is an entry in ClinVar:

NM_001038.6(SCNN1A):c.676T>C (p.Phe226Leu)

Gene: SCNN1A (sodium channel epithelial 1 subunit alpha; minus strand). Cytogenetic location: 12p13.31.
Variant type: single nucleotide variant.
Coding change: c.676T>C on transcript NM_001038.6 (MANE Select); coding-DNA position 676, T replaced by C.
Protein change: p.Phe226Leu; replaces phenylalanine 226 with leucine.
Molecular consequence: missense variant.
Genome position (GRCh38, 1-based): chr12:6,363,451, A>G on the plus strand (T>C on the coding strand, the complement: SCNN1A is on the minus strand). VCF-style: chr12-6363451-A-G. GRCh37 (hg19) VCF-style: chr12-6472617-A-G.
Other names: c.745T>C, p.Phe249Leu (NM_001159575.2); c.853T>C, p.Phe285Leu (NM_001159576.2); short protein forms F226L, F249L, F285L.
Identifiers: ClinVar variation 2662783 (VCV002662783.1), dbSNP rs2497885662, ClinGen allele CA383557734.
Genomic context (GRCh38, chr12:6,363,451, plus strand): 5'-GGCCAGGGGCCGGCGAGGGGCGGGGCGGGCCCCTCGGCGCTGCGGGCCTCACCAGCTGGA[A>G]GCCGATCTTCCAGTCCTTCCAGTCCACCTGGGGGTTGTTGTCCCGCAAGCTGGAGGCCAC-3'
Protein context (NP_001029.1, residues 216-236): QVDWKDWKIG[Phe226Leu]QLCNQNKSDC

ClinVar aggregate classification (germline): Uncertain significance (1 of 4 stars; one submission).

Submission:

GeneDx
Classification: Uncertain significance. Last evaluated: 2023-04-09. Review status: criteria provided, single submitter. Criteria: GeneDx Variant Classification Process June 2021. Collection method: clinical testing. Allele origin: germline. Affected: yes.
Comment: Not observed at significant frequency in large population cohorts (gnomAD); In silico analysis supports that this missense variant has a deleterious effect on protein structure/function; Has not been previously published as pathogenic or benign to our knowledge